The following is an entry in ClinVar:

NM_001379270.1(CNGA1):c.311_323del (p.Lys104fs)

Genes: CNGA1 (cyclic nucleotide gated channel subunit alpha 1; minus strand), LOC101927157 (uncharacterized LOC101927157; plus strand). Cytogenetic location: 4p12.
Variant type: Deletion.
Coding change: c.311_323del on transcript NM_001379270.1 (MANE Select); coding-DNA positions 311 to 323, 13 bases deleted (AGAAAAAAGAAAA).
Protein change: p.Lys104fs; shifts the reading frame from lysine 104.
Molecular consequence: frameshift variant.
Genome position (GRCh38, 1-based): chr4:47,943,377-47,943,389, TTTTCTTTTTTCT deleted on the plus strand (AGAAAAAAGAAAA on the coding strand, the reverse complement: CNGA1 is on the minus strand); deleting any 13 consecutive bases within chr4:47,943,377-47,943,400 gives the same sequence; the c. name uses the placement nearest the transcript's 3' end. VCF-style (leftmost placement, unchanged base first): chr4-47943376-CTTTTCTTTTTTCT-C. GRCh37 (hg19) VCF-style: chr4-47945393-CTTTTCTTTTTTCT-C.
Other names: c.311_323del, p.Lys104fs (NM_000087.5, NM_001142564.2); c.312_324delAAAAAAGAAAAAG, p.Lys108Argfs (NM_001375386.1); short protein forms K104fs.
Identifiers: ClinVar variation 2813540 (VCV002813540.3), dbSNP rs2475783849, ClinGen allele CA2670553951.

ClinVar aggregate classification (germline): Pathogenic (1 of 4 stars; one submission).

Submission:

Labcorp Genetics (formerly Invitae), Labcorp
Classification: Pathogenic. Last evaluated: 2026-01-02. Review status: criteria provided, single submitter. Criteria: Invitae Variant Classification Sherloc (09022015). Collection method: clinical testing. Allele origin: germline.
Comment: This sequence change creates a premature translational stop signal (p.Lys108Argfs*86) in the CNGA1 gene. It is expected to result in an absent or disrupted protein product. Loss-of-function variants in CNGA1 are known to be pathogenic (PMID: 7479749, 25268133). This variant is not present in population databases (gnomAD no frequency). This variant has not been reported in the literature in individuals affected with CNGA1-related conditions. ClinVar contains an entry for this variant (Variation ID: 2813540). Algorithms developed to predict the effect of sequence changes on RNA splicing suggest that this variant may disrupt the consensus splice site. For these reasons, this variant has been classified as Pathogenic.

Literature cited by the submitters: PubMed 7479749; PubMed 25268133.